The following is an entry in ClinVar:

ClinVar aggregate classification (germline): Uncertain significance (1 of 4 stars; one submission).

Conditions:
Inborn genetic diseases. Identifiers: MedGen C0950123, MeSH D030342.

Submission:

Ambry Genetics
Classification: Uncertain significance for Inborn genetic diseases. Last evaluated: 2026-05-30. Review status: criteria provided, single submitter. Criteria: Ambry Variant Classification Scheme 2023. Collection method: clinical testing. Allele origin: germline.
Comment: The p.H160Q variant (also known as c.480T>G), located in coding exon 6 of the DDX41 gene, results from a T to G substitution at nucleotide position 480. The histidine at codon 160 is replaced by glutamine, an amino acid with highly similar properties. This amino acid position is conserved. In addition, this alteration is predicted to be tolerated by in silico analysis. Based on the available evidence, the clinical significance of this variant remains unclear.

NM_016222.4(DDX41):c.480T>G (p.His160Gln)

Gene: DDX41 (DEAD-box helicase 41; minus strand). Cytogenetic location: 5q35.3.
Variant type: single nucleotide variant.
Coding change: c.480T>G on transcript NM_016222.4 (MANE Select); coding-DNA position 480, T replaced by G.
Protein change: p.His160Gln; replaces histidine 160 with glutamine.
Molecular consequence: missense variant.
Genome position (GRCh38, 1-based): chr5:177,515,776, A>C on the plus strand (T>G on the coding strand, the complement: DDX41 is on the minus strand). VCF-style: chr5-177515776-A-C. GRCh37 (hg19) VCF-style: chr5-176942777-A-C.
Other names: c.102T>G, p.His34Gln (NM_001321732.2, NM_001321830.2); short protein forms H160Q, H34Q.
Identifiers: ClinVar variation 4869693 (VCV004869693.1).